The following is an entry in ClinVar:

ClinVar aggregate classification (germline): Benign/Likely benign. Review status: criteria provided, multiple submitters, no conflicts (2 of 4 stars). 5 submissions from 5 submitters: Benign (1); Likely benign (4). Last evaluated 2026-01-12.

Conditions:
Melanoma, cutaneous malignant, susceptibility to, 3. Also called: Cutaneous malignant melanoma 3. Identifiers: Orphanet 618, MedGen C1836892, MONDO:0012183, OMIM 609048.
Familial melanoma. Also called: Hereditary melanoma; Hereditary cutaneous melanoma. Identifiers: Orphanet 618, MedGen C1512419, MONDO:0018961.
Hereditary cancer-predisposing syndrome. Also called: Neoplastic Syndromes, Hereditary; Hereditary neoplastic syndrome; Tumor predisposition; Hereditary Cancer Syndrome. Identifiers: Orphanet 140162, MedGen C0027672, MeSH D009386, MONDO:0015356.

Allele frequency attached by ClinVar (database versions not stated): gnomAD exomes below 0.00001 and 0.00002; ExAC 0.00001; gnomAD 0.00001; TOPMed 0.00002; 1000 Genomes Project 30x 0.00016; 1000 Genomes Project 0.00020.
gnomAD v4.1: 8 of 1,614,206 alleles (0.0005%); highest among the groups gnomAD compares: East Asian, 0.018%; no homozygotes.

Submissions (5):

Labcorp Genetics (formerly Invitae), Labcorp
Classification: Likely benign for Familial melanoma. Last evaluated: 2026-01-12. Review status: criteria provided, single submitter. Criteria: Invitae Variant Classification Sherloc (09022015). Collection method: clinical testing. Allele origin: germline.

Center for Genomic Medicine, Rigshospitalet, Copenhagen University Hospital
Classification: Likely benign. Last evaluated: 2025-12-29. Review status: criteria provided, single submitter. Criteria: ACMG Guidelines, 2015. Collection method: clinical testing. Allele origin: germline.

Myriad Genetics, Inc.
Classification: Benign for Melanoma, cutaneous malignant, susceptibility to, 3. Last evaluated: 2024-09-24. Review status: criteria provided, single submitter. Criteria: Myriad Autosomal Dominant, Autosomal Recessive and X-Linked Classification Criteria (2023). Collection method: clinical testing. Allele origin: unknown.
Comment: This variant is considered benign. This variant is a silent/synonymous amino acid change and it is not expected to impact splicing.

Women's Health and Genetics/Laboratory Corporation of America, LabCorp
Classification: Likely benign. Last evaluated: 2024-09-03. Review status: criteria provided, single submitter. Criteria: LabCorp Variant Classification Summary - May 2015. Collection method: clinical testing. Allele origin: germline.

Ambry Genetics
Classification: Likely benign for Hereditary cancer-predisposing syndrome. Last evaluated: 2018-08-09. Review status: criteria provided, single submitter. Criteria: Ambry Variant Classification Scheme 2023. Collection method: clinical testing. Allele origin: germline.

NM_000075.4(CDK4):c.96G>C (p.Val32=)

Gene: CDK4 (cyclin dependent kinase 4; minus strand). Cytogenetic location: 12q14.1.
Variant type: single nucleotide variant.
Coding change: c.96G>C on transcript NM_000075.4 (MANE Select); coding-DNA position 96, G replaced by C.
Protein change: p.Val32=; no amino-acid change (valine 32 retained).
Molecular consequence: synonymous variant.
Genome position (GRCh38, 1-based): chr12:57,751,622, C>G on the plus strand (G>C on the coding strand, the complement: CDK4 is on the minus strand). VCF-style: chr12-57751622-C-G. GRCh37 (hg19) VCF-style: chr12-58145405-C-G.
Identifiers: ClinVar variation 797639 (VCV000797639.18), dbSNP rs563392051, ClinGen allele CA6657885.